The following is an entry in ClinVar:

ClinVar aggregate classification (germline): Uncertain significance (1 of 4 stars; one submission).

Submission:

Labcorp Genetics (formerly Invitae), Labcorp
Classification: Uncertain significance. Last evaluated: 2024-12-24. Review status: criteria provided, single submitter. Criteria: Invitae Variant Classification Sherloc (09022015). Collection method: clinical testing. Allele origin: germline.
Comment: This sequence change replaces glycine, which is neutral and non-polar, with arginine, which is basic and polar, at codon 238 of the CYP51A1 protein (p.Gly238Arg). This variant is not present in population databases (gnomAD no frequency). This variant has not been reported in the literature in individuals affected with CYP51A1-related conditions. An algorithm developed to predict the effect of missense changes on protein structure and function (PolyPhen-2) suggests that this variant is likely to be disruptive. In summary, the available evidence is currently insufficient to determine the role of this variant in disease. Therefore, it has been classified as a Variant of Uncertain Significance.

NM_000786.4(CYP51A1):c.712G>A (p.Gly238Arg)

Gene: CYP51A1 (cytochrome P450 family 51 subfamily A member 1; minus strand). Cytogenetic location: 7q21.2.
Variant type: single nucleotide variant.
Coding change: c.712G>A on transcript NM_000786.4 (MANE Select); coding-DNA position 712, G replaced by A.
Protein change: p.Gly238Arg; replaces glycine 238 with arginine.
Molecular consequence: missense variant.
Genome position (GRCh38, 1-based): chr7:92,126,311, C>T on the plus strand (G>A on the coding strand, the complement: CYP51A1 is on the minus strand). VCF-style: chr7-92126311-C-T. GRCh37 (hg19) VCF-style: chr7-91755625-C-T.
Other names: c.397G>A, p.Gly133Arg (NM_001146152.2); short protein forms G133R, G238R.
Identifiers: ClinVar variation 3727884 (VCV003727884.2).
Genomic context (GRCh38, chr7:92,126,311, plus strand): 5'-ACCTGAAACTAGGCAAAGGCAGCCAACCTGGTAAGAGCCAGGCTGCATGGCTGAAACCTC[C>T]ATCCAAATCTGCATACAGCTGTGCTACCTTTTCATTGAGTTGACTTCTGATTTCCTTTCC-3'
Protein context (NP_000777.1, residues 228-248): KVAQLYADLD[Gly238Arg]GFSHAAWLLP